The following is an entry in ClinVar:

ClinVar aggregate classification (germline): Uncertain significance. Review status: criteria provided, multiple submitters, no conflicts (2 of 4 stars). 2 submissions from 2 submitters: Uncertain significance (2). Last evaluated 2025-07-21.

Allele frequency attached by ClinVar (database versions not stated): ExAC 0.00005; gnomAD exomes 0.00005; ESP Exome Variant Server 0.00015; gnomAD 0.00015 and 0.00016; 1000 Genomes Project 30x 0.00016; 1000 Genomes Project 0.00020.
gnomAD v4.1: 54 of 1,610,486 alleles (0.0034%); highest among the groups gnomAD compares: African/African-American, 0.061%; no homozygotes.

Submissions (2):

Labcorp Genetics (formerly Invitae), Labcorp
Classification: Uncertain significance. Last evaluated: 2025-07-21. Review status: criteria provided, single submitter. Criteria: Invitae Variant Classification Sherloc (09022015). Collection method: clinical testing. Allele origin: germline.
Comment: This sequence change replaces arginine, which is basic and polar, with cysteine, which is neutral and slightly polar, at codon 355 of the FCHO1 protein (p.Arg355Cys). This variant is present in population databases (rs143922675, gnomAD 0.03%). This variant has not been reported in the literature in individuals affected with FCHO1-related conditions. ClinVar contains an entry for this variant (Variation ID: 1373560). An algorithm developed to predict the effect of missense changes on protein structure and function (PolyPhen-2) suggests that this variant is likely to be disruptive. In summary, the available evidence is currently insufficient to determine the role of this variant in disease. Therefore, it has been classified as a Variant of Uncertain Significance.

Ambry Genetics
Classification: Uncertain significance. Last evaluated: 2024-09-27. Review status: criteria provided, single submitter. Criteria: Ambry Variant Classification Scheme 2023. Collection method: clinical testing. Allele origin: germline.

NM_015122.3(FCHO1):c.1063C>T (p.Arg355Cys)

Gene: FCHO1 (FCH and mu domain containing endocytic adaptor 1; plus strand). Cytogenetic location: 19p13.11.
Variant type: single nucleotide variant.
Coding change: c.1063C>T on transcript NM_015122.3 (MANE Select); coding-DNA position 1063, C replaced by T.
Protein change: p.Arg355Cys; replaces arginine 355 with cysteine.
Molecular consequence: missense variant. On other transcripts: non-coding transcript variant (36).
Genome position (GRCh38, 1-based): chr19:17,776,042, C>T. VCF-style: chr19-17776042-C-T. GRCh37 (hg19) VCF-style: chr19-17886851-C-T.
Other names: c.1063C>T, p.Arg355Cys (NM_001384377.1, NM_001384378.1, NM_001384379.1 and 25 more transcripts); c.913C>T, p.Arg305Cys (NM_001384384.1, NM_001384385.1, NM_001384386.1 and 3 more transcripts); c.1024C>T, p.Arg342Cys (NM_001384388.1, NM_001384389.1, NM_001384405.1); c.988C>T, p.Arg330Cys (NM_001384390.1); c.1018C>T, p.Arg340Cys (NM_001384403.1); c.1063C>T (NM_001161357.1); short protein forms R340C, R342C, R305C, R330C, R355C.
Identifiers: ClinVar variation 1373560 (VCV001373560.8), dbSNP rs143922675, ClinGen allele CA9300379.
Genomic context (GRCh38, chr19:17,776,042, plus strand): 5'-CGCACGGCCGAGCCCTCCCGTTTCTCGTCCAGCGACTCCGACTTCGACGATGAAGAGCCC[C>T]GCAAGTTCTATGTGCACATCAAGCCTGCCCCGGCCCGGGCTCCAGCCTGCAGCCCCGAGG-3'
Protein context (NP_055937.1, residues 345-365): SDSDFDDEEP[Arg355Cys]KFYVHIKPAP